The following is an entry in ClinVar:

NM_005861.4(STUB1):c.772G>T (p.Glu258Ter)

Genes: JMJD8 (jumonji domain containing 8; minus strand), STUB1 (STIP1 homology and U-box containing protein 1; plus strand). Cytogenetic location: 16p13.3.
Variant type: single nucleotide variant.
Coding change: c.772G>T on transcript NM_005861.4 (MANE Select); coding-DNA position 772, G replaced by T.
Protein change: p.Glu258Ter; replaces glutamic acid 258 with a stop codon.
Molecular consequence: nonsense. On other transcripts: 3 prime UTR variant (5), non-coding transcript variant (3).
Genome position (GRCh38, 1-based): chr16:682,267, G>T. VCF-style: chr16-682267-G-T. GRCh37 (hg19) VCF-style: chr16-732267-G-T.
Other names: c.556G>T, p.Glu186Ter (NM_001293197.2); c.*527C>A (NM_001005920.4, NM_001323919.3, NM_001323920.3); c.*561C>A (NM_001323918.3, NM_001323922.3); short protein forms E186*, E258*.
Identifiers: ClinVar variation 3340972 (VCV003340972.1).

ClinVar aggregate classification (germline): Likely pathogenic (1 of 4 stars; one submission).

Submission:

GeneDx
Classification: Likely pathogenic. Last evaluated: 2023-07-13. Review status: criteria provided, single submitter. Criteria: GeneDx Variant Classification Process June 2021. Collection method: clinical testing. Allele origin: germline. Affected: yes.
Comment: Nonsense variant predicted to result in protein truncation, as the last 46 amino acids are lost, and other loss-of-function variants have been reported downstream in HGMD; Not observed at significant frequency in large population cohorts (gnomAD); Has not been previously published as pathogenic or benign to our knowledge